The following is an entry in ClinVar:

ClinVar aggregate classification (germline): Uncertain significance. Review status: criteria provided, multiple submitters, no conflicts (2 of 4 stars). 6 submissions from 6 submitters: Uncertain significance (4). 2 of the submissions do not count toward it. Last evaluated 2026-01-21.

Conditions:
Inborn genetic diseases. Identifiers: MedGen C0950123, MeSH D030342.
Bethlem myopathy 1A. Also called: MYOPATHY, BENIGN CONGENITAL, WITH CONTRACTURES; Bethlem Muscular Dystrophy; Bethlem myopathy 1. Identifiers: Orphanet 610, MedGen CN029274, MONDO:0024530, OMIM 158810.

Allele frequency attached by ClinVar (database versions not stated): gnomAD 0.00001; gnomAD exomes 0.00001 and 0.00002; TOPMed 0.00001; ExAC 0.00002.
gnomAD v4.1: 29 of 1,614,098 alleles (0.0018%); highest among the groups gnomAD compares: African/African-American, 0.0027%; no homozygotes.

Submissions (6):

Labcorp Genetics (formerly Invitae), Labcorp
Classification: Uncertain significance for Bethlem myopathy 1A. Last evaluated: 2026-01-21. Review status: criteria provided, single submitter. Criteria: Invitae Variant Classification Sherloc (09022015). Collection method: clinical testing. Allele origin: germline.
Comment: This sequence change replaces threonine, which is neutral and polar, with methionine, which is neutral and non-polar, at codon 1926 of the COL6A3 protein (p.Thr1926Met). This variant is present in population databases (rs763172498, gnomAD 0.003%). This variant has not been reported in the literature in individuals affected with COL6A3-related conditions. ClinVar contains an entry for this variant (Variation ID: 835396). Invitae Evidence Modeling of protein sequence and biophysical properties (such as structural, functional, and spatial information, amino acid conservation, physicochemical variation, residue mobility, and thermodynamic stability) indicates that this missense variant is expected to disrupt COL6A3 protein function with a positive predictive value of 80%. In summary, the available evidence is currently insufficient to determine the role of this variant in disease. Therefore, it has been classified as a Variant of Uncertain Significance.

Women's Health and Genetics/Laboratory Corporation of America, LabCorp
Classification: Uncertain significance. Last evaluated: 2025-06-19. Review status: criteria provided, single submitter. Criteria: LabCorp Variant Classification Summary - May 2015. Collection method: clinical testing. Allele origin: germline.
Comment: Variant summary: COL6A3 c.5777C>T (p.Thr1926Met) results in a non-conservative amino acid change in the encoded protein sequence. Algorithms developed to predict the effect of missense changes on protein structure and function are either unavailable or do not agree on the potential impact of this missense change. The variant allele was found at a frequency of 2e-05 in 251372 control chromosomes (gnomAD). The available data on variant occurrences in the general population are insufficient to allow any conclusion about variant significance. To our knowledge, no occurrence of c.5777C>T in individuals affected with Ullrich congenital muscular dystrophy 1-AR and no experimental evidence demonstrating its impact on protein function have been reported. ClinVar contains an entry for this variant (Variation ID: 835396). Based on the evidence outlined above, the variant was classified as uncertain significance.

Revvity Omics, Revvity
Classification: Uncertain significance. Last evaluated: 2023-07-12. Review status: criteria provided, single submitter. Criteria: ACMG Guidelines, 2015. Collection method: clinical testing. Allele origin: germline.

Ambry Genetics
Classification: Uncertain significance for Inborn genetic diseases. Last evaluated: 2021-09-01. Review status: criteria provided, single submitter. Criteria: Ambry Variant Classification Scheme 2023. Collection method: clinical testing. Allele origin: germline.

Genome Diagnostics Laboratory, Amsterdam University Medical Center
Classification: Uncertain significance. Review status: no assertion criteria provided. Collection method: clinical testing. Allele origin: germline. Affected: yes. Study: VKGL Data-share Consensus. Not counted in ClinVar's aggregate classification.

Joint Genome Diagnostic Labs from Nijmegen and Maastricht, Radboudumc and MUMC+
Classification: Uncertain significance. Review status: no assertion criteria provided. Collection method: clinical testing. Allele origin: germline. Affected: yes. Study: VKGL Data-share Consensus. Not counted in ClinVar's aggregate classification.

NM_004369.4(COL6A3):c.5777C>T (p.Thr1926Met)

Gene: COL6A3 (collagen type VI alpha 3 chain; minus strand). Cytogenetic location: 2q37.3.
Variant type: single nucleotide variant.
Coding change: c.5777C>T on transcript NM_004369.4 (MANE Select); coding-DNA position 5777, C replaced by T.
Protein change: p.Thr1926Met; replaces threonine 1926 with methionine.
Molecular consequence: missense variant.
Genome position (GRCh38, 1-based): chr2:237,365,759, G>A on the plus strand (C>T on the coding strand, the complement: COL6A3 is on the minus strand). VCF-style: chr2-237365759-G-A. GRCh37 (hg19) VCF-style: chr2-238274402-G-A.
Other names: c.3956C>T, p.Thr1319Met (NM_057166.5); c.5159C>T, p.Thr1720Met (NM_057167.4); short protein forms T1720M, T1926M, T1319M.
Identifiers: ClinVar variation 835396 (VCV000835396.17), dbSNP rs763172498, ClinGen allele CA2188581.